The following is an entry in ClinVar:

NM_001083961.2(WDR62):c.1044-1G>T

Gene: WDR62 (WD repeat domain 62; plus strand). Cytogenetic location: 19q13.12.
Variant type: single nucleotide variant.
Coding change: c.1044-1G>T on transcript NM_001083961.2 (MANE Select); the canonical splice acceptor site of the intron before coding-DNA position 1044, G replaced by T.
Molecular consequence: splice acceptor variant. On other transcripts: intron variant (2).
Genome position (GRCh38, 1-based): chr19:36,073,341, G>T. VCF-style: chr19-36073341-G-T. GRCh37 (hg19) VCF-style: chr19-36564243-G-T.
Other names: c.1044-1G>T (NM_173636.5, NM_001411146.1); c.1044-16G>T (NM_001411145.1); c.882+5331G>T (NM_001411147.1).
Identifiers: ClinVar variation 4849398 (VCV004849398.1).

ClinVar aggregate classification (germline): Likely pathogenic (1 of 4 stars; one submission).

Conditions:
Microcephaly 2, primary, autosomal recessive, with or without cortical malformations. Also called: MICROCEPHALY 2, PRIMARY, AUTOSOMAL RECESSIVE, WITH CORTICAL MALFORMATIONS; WDR62 Primary Microcephaly. Identifiers: Orphanet 2512, MedGen C1858535, MONDO:0011435, OMIM 604317.

gnomAD v4.1: 2 of 1,614,124 alleles (0.00012%); highest among the groups gnomAD compares: Middle Eastern, 0.017%; no homozygotes.

Submission:

First Genomix Gene Laboratory, Genetic Diagnostics Department
Classification: Likely pathogenic for Microcephaly 2, primary, autosomal recessive, with or without cortical malformations. Last evaluated: 2025-07-24. Review status: criteria provided, single submitter. Criteria: ACMG Guidelines, 2015. Collection method: clinical testing. Allele origin: germline. Inheritance: Autosomal recessive inheritance. Affected: no. Observed: 1 variant allele.